The following is an entry in ClinVar:

ClinVar aggregate classification (germline): Likely benign. Review status: criteria provided, multiple submitters, no conflicts (2 of 4 stars). 9 submissions from 9 submitters: Likely benign (8). 1 of the submissions does not count toward it. Last evaluated 2026-08-01.

Conditions:
Oto-palato-digital syndrome, type II (OPD2). Also called: Otopalatodigital Syndrome, Type II; FACIOPALATOOSSEOUS SYNDROME; OPD II SYNDROME; Otopalatodigital Syndrome Type 2 (FLNA-OPD2). Identifiers: Orphanet 669, Orphanet 90652, MedGen C1844696, MONDO:0010571, OMIM 304120.
Melnick-Needles syndrome (MNS). Also called: MELNICK-NEEDLES OSTEODYSPLASTY; OSTEODYSPLASTY OF MELNICK AND NEEDLES; Melnick-Needles Syndrome (FLNA-MNS). Identifiers: Orphanet 2484, MedGen C0025237, MONDO:0010650, OMIM 309350.
Frontometaphyseal dysplasia (FMD1). Identifiers: Orphanet 1826, MedGen C0265293, MONDO:0015942.
Heterotopia, periventricular, X-linked dominant (PVNH1). Also called: X-linked periventricular heterotopia; PERIVENTRICULAR NODULAR HETEROTOPIA 1; PERIVENTRICULAR NODULAR HETEROTOPIA 4; HETEROTOPIA, PERIVENTRICULAR, 1. Identifiers: Orphanet 2149, Orphanet 82004, MedGen C1848213, MONDO:0010233, OMIM 300049.
FLNA-related disorder.
Connective tissue disorder. Also called: Connective tissue disease. Identifiers: MedGen C0009782, MONDO:0003900.
Familial thoracic aortic aneurysm and aortic dissection (TAAD). Also called: Thoracic aortic aneurysms and dissections. Identifiers: Orphanet 91387, MedGen C4707243, MONDO:0019625.

Allele frequency attached by ClinVar (database versions not stated): gnomAD 0.00003; TOPMed 0.00012.
gnomAD v4.1: 71 of 1,209,481 alleles (0.0059%); highest among the groups gnomAD compares: Admixed American, 0.096%; no homozygotes.

Submissions (9):

CeGaT Center for Human Genetics Tuebingen
Classification: Likely benign. Last evaluated: 2026-08-01. Review status: criteria provided, single submitter. Criteria: CeGaT Center For Human Genetics Tuebingen Variant Classification Criteria Version 2. Collection method: clinical testing. Allele origin: germline. Affected: yes. Observed: 2 variant alleles.
Comment: FLNA: BS2

Labcorp Genetics (formerly Invitae), Labcorp
Classification: Likely benign for Oto-palato-digital syndrome, type II; Heterotopia, periventricular, X-linked dominant; Frontometaphyseal dysplasia; Melnick-Needles syndrome. Last evaluated: 2026-01-16. Review status: criteria provided, single submitter. Criteria: Invitae Variant Classification Sherloc (09022015). Collection method: clinical testing. Allele origin: germline.

Women's Health and Genetics/Laboratory Corporation of America, LabCorp
Classification: Likely benign. Last evaluated: 2024-10-06. Review status: criteria provided, single submitter. Criteria: LabCorp Variant Classification Summary - May 2015. Collection method: clinical testing. Allele origin: germline.

Blueprint Genetics
Classification: Likely benign. Last evaluated: 2023-03-03. Review status: criteria provided, single submitter. Criteria: ACMG Guidelines, 2015. Collection method: clinical testing. Allele origin: germline.

ARUP Laboratories, Molecular Genetics and Genomics, ARUP Laboratories
Classification: Likely benign. Last evaluated: 2022-03-10. Review status: criteria provided, single submitter. Criteria: ARUP Molecular Germline Variant Investigation Process 2021. Collection method: clinical testing. Allele origin: germline.

Genetic Services Laboratory, University of Chicago
Classification: Likely benign. Last evaluated: 2018-07-16. Review status: criteria provided, single submitter. Criteria: ACMG Guidelines, 2015. Collection method: clinical testing. Allele origin: germline. Affected: no.

Ambry Genetics
Classification: Likely benign for Familial thoracic aortic aneurysm and aortic dissection. Last evaluated: 2017-06-19. Review status: criteria provided, single submitter. Criteria: Ambry Variant Classification Scheme 2023. Collection method: clinical testing. Allele origin: germline.

Center for Human Genetics, Inc
Classification: Likely benign for Connective tissue disorder. Last evaluated: 2016-11-01. Review status: criteria provided, single submitter. Criteria: ACMG Guidelines, 2015. Collection method: clinical testing. Allele origin: germline. Affected: yes.

PreventionGenetics, part of Exact Sciences
Classification: Likely benign for FLNA-related condition. Last evaluated: 2021-01-07. Review status: no assertion criteria provided. Collection method: clinical testing. Allele origin: germline. Not counted in ClinVar's aggregate classification.
Comment: This variant is classified as likely benign based on ACMG/AMP sequence variant interpretation guidelines (Richards et al. 2015 PMID: 25741868, with internal and published modifications).

NM_001110556.2(FLNA):c.4594C>T (p.Arg1532Trp)

Gene: FLNA (filamin A; minus strand). Cytogenetic location: Xq28.
Variant type: single nucleotide variant.
Coding change: c.4594C>T on transcript NM_001110556.2 (MANE Select); coding-DNA position 4594, C replaced by T.
Protein change: p.Arg1532Trp; replaces arginine 1532 with tryptophan.
Molecular consequence: missense variant.
Genome position (GRCh38, 1-based): chrX:154,358,449, G>A on the plus strand (C>T on the coding strand, the complement: FLNA is on the minus strand). VCF-style: chrX-154358449-G-A. GRCh37 (hg19) VCF-style: chrX-153586817-G-A.
Other names: c.4594C>T, p.Arg1532Trp (NM_001456.4); c.4594C>T (NM_001110556.1); short protein forms R1532W.
Identifiers: ClinVar variation 213475 (VCV000213475.35), dbSNP rs782563345, ClinGen allele CA322417.
Genomic context (GRCh38, chrX:154,358,449, plus strand): 5'-GGTTCTCAGCATCCAGCCTGGGCCACTCCCCACAGGCAGCAGGCCCTGCCTCTTACCTCC[G>A]GGGTACCTCTTCATCTCCATACAGTACTGAGATGCTGTAGGGCCCTTCTCGGCTGGGCAC-3'
Protein context (NP_001104026.1, residues 1522-1542): SVLYGDEEVP[Arg1532Trp]SPFKVKVLPT